The following is an entry in ClinVar:

NM_005515.4(MNX1):c.244C>A (p.Arg82Ser)

Gene: MNX1 (motor neuron and pancreas homeobox 1; minus strand). Cytogenetic location: 7q36.3.
Variant type: single nucleotide variant.
Coding change: c.244C>A on transcript NM_005515.4 (MANE Select); coding-DNA position 244, C replaced by A.
Protein change: p.Arg82Ser; replaces arginine 82 with serine.
Molecular consequence: missense variant.
Genome position (GRCh38, 1-based): chr7:157,010,107, G>T on the plus strand (C>A on the coding strand, the complement: MNX1 is on the minus strand). VCF-style: chr7-157010107-G-T. GRCh37 (hg19) VCF-style: chr7-156802801-G-T.
Other names: short protein forms R82S.
Identifiers: ClinVar variation 2419924 (VCV002419924.6), dbSNP rs1240734390, ClinGen allele CA370164953.

ClinVar aggregate classification (germline): Uncertain significance (1 of 4 stars; one submission).

gnomAD v4.1: 27 of 988,352 alleles (0.0027%); highest among the groups gnomAD compares: Non-Finnish European, 0.0032%; no homozygotes.

Submission:

Labcorp Genetics (formerly Invitae), Labcorp
Classification: Uncertain significance. Last evaluated: 2025-03-18. Review status: criteria provided, single submitter. Criteria: Invitae Variant Classification Sherloc (09022015). Collection method: clinical testing. Allele origin: germline.
Comment: This sequence change replaces arginine, which is basic and polar, with serine, which is neutral and polar, at codon 82 of the MNX1 protein (p.Arg82Ser). This variant is present in population databases (no rsID available, gnomAD 0.007%). This variant has not been reported in the literature in individuals affected with MNX1-related conditions. ClinVar contains an entry for this variant (Variation ID: 2419924). Invitae Evidence Modeling of protein sequence and biophysical properties (such as structural, functional, and spatial information, amino acid conservation, physicochemical variation, residue mobility, and thermodynamic stability) indicates that this missense variant is not expected to disrupt MNX1 protein function with a negative predictive value of 80%. In summary, the available evidence is currently insufficient to determine the role of this variant in disease. Therefore, it has been classified as a Variant of Uncertain Significance.